The following is an entry in ClinVar:

ClinVar aggregate classification (germline): Uncertain significance (1 of 4 stars; one submission).

Conditions:
Emery-Dreifuss muscular dystrophy (EDMD). Also called: Scapuloperoneal syndrome, X-linked (formerly); Humeroperoneal neuromuscular disease, (formerly). Identifiers: Orphanet 261, MedGen C0410189, MONDO:0016830.

Allele frequency attached by ClinVar (database versions not stated): gnomAD exomes below 0.00001.

Submission:

Labcorp Genetics (formerly Invitae), Labcorp
Classification: Uncertain significance for Emery-Dreifuss muscular dystrophy. Last evaluated: 2024-03-11. Review status: criteria provided, single submitter. Criteria: Invitae Variant Classification Sherloc (09022015). Collection method: clinical testing. Allele origin: germline.
Comment: This sequence change replaces valine, which is neutral and non-polar, with leucine, which is neutral and non-polar, at codon 279 of the SUN1 protein (p.Val279Leu). This variant is present in population databases (no rsID available, gnomAD 0.0009%). This variant has not been reported in the literature in individuals affected with SUN1-related conditions. ClinVar contains an entry for this variant (Variation ID: 1518590). An algorithm developed to predict the effect of missense changes on protein structure and function (PolyPhen-2) suggests that this variant is likely to be disruptive. In summary, the available evidence is currently insufficient to determine the role of this variant in disease. Therefore, it has been classified as a Variant of Uncertain Significance.

NM_001130965.3(SUN1):c.835G>C (p.Val279Leu)

Gene: SUN1 (Sad1 and UNC84 domain containing 1; plus strand). Cytogenetic location: 7p22.3.
Variant type: single nucleotide variant.
Coding change: c.835G>C on transcript NM_001130965.3 (MANE Select); coding-DNA position 835, G replaced by C.
Protein change: p.Val279Leu; replaces valine 279 with leucine.
Molecular consequence: missense variant. On other transcripts: non-coding transcript variant (3).
Genome position (GRCh38, 1-based): chr7:852,027, G>C. VCF-style: chr7-852027-G-C. GRCh37 (hg19) VCF-style: chr7-891664-G-C.
Other names: c.529G>C, p.Val177Leu (NM_001171944.2); c.835G>C, p.Val279Leu (NM_001367633.1, NM_001367634.1, NM_001367665.1 and 3 more transcripts); c.484G>C, p.Val162Leu (NM_001367635.1); c.1078G>C, p.Val360Leu (NM_001367636.1, NM_001367666.1, NM_001367655.1 and 1 more transcripts); c.946G>C, p.Val316Leu (NM_001367638.1, NM_001367664.1, NM_001367685.1 and 1 more transcripts); c.379G>C, p.Val127Leu (NM_001367639.1); c.1018G>C, p.Val340Leu (NM_001367640.1, NM_001367675.1, NM_001367676.1); c.1117G>C, p.Val373Leu (NM_001367641.1, NM_001367682.1, NM_001367698.1); and 24 more; short protein forms V196L, V224L, V307L, V417L, C62S, V229L, V253L, V288L.
Identifiers: ClinVar variation 1518590 (VCV001518590.6), dbSNP rs1241533008, ClinGen allele CA366529373.
Genomic context (GRCh38, chr7:852,027, plus strand): 5'-GTGTTCTGGTGGCTGGGGATTGGATGGTACCAGTTTGTTACTTTGATTTCTTGGCTGAAT[G>C]TGTTTCTTCTTACCAGGTAAGGAAATGGATATCATGTCAGCGTGGTGCTTTAAGGAACCA-3'
Protein context (NP_001124437.1, residues 269-289): QFVTLISWLN[Val279Leu]FLLTRCLRNI